The following is an entry in ClinVar:

ClinVar aggregate classification (germline): Likely benign (1 of 4 stars; one submission).

Conditions:
PHIP-related disorder. Also called: PHIP-related disorders; PHIP-related condition.

gnomAD v4.1: 2 of 1,600,752 alleles (0.00012%); highest among the groups gnomAD compares: Non-Finnish European, 0.00017%; no homozygotes.

Submission:

PreventionGenetics, part of Exact Sciences
Classification: Likely benign for PHIP-related condition. Last evaluated: 2025-02-18. Review status: criteria provided, single submitter. Criteria: ACMG Guidelines, 2015. Collection method: clinical testing. Allele origin: germline.
Comment: This variant is classified as likely benign based on ACMG/AMP sequence variant interpretation guidelines (Richards et al. 2015 PMID: 25741868, with internal and published modifications).

NM_017934.7(PHIP):c.*2T>G

Genes: IRAK1BP1 (interleukin 1 receptor associated kinase 1 binding protein 1; plus strand), PHIP (PHIP subunit of CUL4-Ring ligase complex; minus strand). Cytogenetic location: 6q14.1.
Variant type: single nucleotide variant.
Coding change: c.*2T>G on transcript NM_017934.7 (MANE Select); 2 bases downstream of the stop codon, T replaced by G.
Molecular consequence: 3 prime UTR variant.
Genome position (GRCh38, 1-based): chr6:78,940,691, A>C on the plus strand (T>G on the coding strand, the complement: PHIP is on the minus strand). VCF-style: chr6-78940691-A-C. GRCh37 (hg19) VCF-style: chr6-79650408-A-C.
Identifiers: ClinVar variation 4982149 (VCV004982149.1).